The following is an entry in ClinVar:

NM_001199753.2(CPT1C):c.1293G>A (p.Ala431=)

Gene: CPT1C (carnitine palmitoyltransferase 1C; plus strand). Cytogenetic location: 19q13.33.
Variant type: single nucleotide variant.
Coding change: c.1293G>A on transcript NM_001199753.2 (MANE Select); coding-DNA position 1293, G replaced by A.
Protein change: p.Ala431=; no amino-acid change (alanine 431 retained).
Molecular consequence: synonymous variant. On other transcripts: non-coding transcript variant (1).
Genome position (GRCh38, 1-based): chr19:49,706,363, G>A. VCF-style: chr19-49706363-G-A. GRCh37 (hg19) VCF-style: chr19-50209620-G-A.
Other names: c.1260G>A, p.Ala420= (NM_001136052.3, NM_001378485.1, NM_001378487.1); c.1293G>A, p.Ala431= (NM_001199752.3, NM_001378483.1, NM_001378484.1 and 3 more transcripts); c.1359G>A, p.Ala453= (NM_001378482.1).
Identifiers: ClinVar variation 1565738 (VCV001565738.9), dbSNP rs150328622, ClinGen allele CA9582135.

ClinVar aggregate classification (germline): Conflicting classifications of pathogenicity. Review status: criteria provided, conflicting classifications (1 of 4 stars). 2 submissions from 2 submitters: Uncertain significance (1); Likely benign (1). Last evaluated 2025-03-10.

Conditions:
Hereditary spastic paraplegia 73. Also called: Spastic paraplegia 73, autosomal dominant. Identifiers: Orphanet 444099, MedGen C5568981, MONDO:0014568, OMIM 616282.

Allele frequency attached by ClinVar (database versions not stated): gnomAD exomes 0.00001; ExAC 0.00002; TOPMed 0.00003; gnomAD 0.00004; ESP Exome Variant Server 0.00008.
gnomAD v4.1: 22 of 1,509,224 alleles (0.0015%); highest among the groups gnomAD compares: African/African-American, 0.013%; no homozygotes.

Submissions (2):

Greenwood Genetic Center Diagnostic Laboratories, Greenwood Genetic Center
Classification: Uncertain significance. Last evaluated: 2025-03-10. Review status: criteria provided, single submitter. Criteria: ACMG Guidelines, 2015. Collection method: clinical testing. Allele origin: germline.
Comment: BP4

Labcorp Genetics (formerly Invitae), Labcorp
Classification: Likely benign for Hereditary spastic paraplegia 73. Last evaluated: 2021-06-16. Review status: criteria provided, single submitter. Criteria: Invitae Variant Classification Sherloc (09022015). Collection method: clinical testing. Allele origin: germline.